The following is an entry in ClinVar:

NM_032043.3(BRIP1):c.2923dup (p.Glu975fs)

Gene: BRIP1 (BRCA1 interacting DNA helicase 1; minus strand). Cytogenetic location: 17q23.2.
Variant type: Duplication.
Coding change: c.2923dup on transcript NM_032043.3 (MANE Select); coding-DNA position 2923, one base duplicated (G; older notation c.2923dupG).
Protein change: p.Glu975fs; shifts the reading frame from glutamic acid 975.
Molecular consequence: frameshift variant.
Genome position (GRCh38, 1-based): chr17:61,684,123, C duplicated on the plus strand (G on the coding strand, the reverse complement: BRIP1 is on the minus strand); the first of 2 consecutive C bases (chr17:61,684,123-61,684,124); duplicating either gives the same sequence. VCF-style (leftmost placement, unchanged base first): chr17-61684122-T-TC. GRCh37 (hg19) VCF-style: chr17-59761483-T-TC.
Other names: short protein forms E975fs.
Identifiers: ClinVar variation 919869 (VCV000919869.4), dbSNP rs2061326585, ClinGen allele CA1139665745.

ClinVar aggregate classification (germline): Likely pathogenic. Review status: criteria provided, multiple submitters, no conflicts (2 of 4 stars). 2 submissions from 2 submitters: Likely pathogenic (2). Last evaluated 2024-08-13.

Conditions:
Familial cancer of breast. Also called: BREAST CANCER, FAMILIAL; Hereditary breast cancer; hereditary breast carcinoma. Identifiers: Orphanet 227535, MedGen C0346153, MONDO:0016419, OMIM 114480. Disease mechanism: loss of function.
Hereditary cancer-predisposing syndrome. Also called: Neoplastic Syndromes, Hereditary; Tumor predisposition; Hereditary Cancer Syndrome; Hereditary neoplastic syndrome. Identifiers: Orphanet 140162, MedGen C0027672, MeSH D009386, MONDO:0015356.

Submissions (2):

Myriad Genetics, Inc.
Classification: Likely pathogenic for Familial cancer of breast. Last evaluated: 2024-08-13. Review status: criteria provided, single submitter. Criteria: Myriad Autosomal Dominant, Autosomal Recessive and X-Linked Classification Criteria (2023). Collection method: clinical testing. Allele origin: unknown.
Comment: This variant is considered likely pathogenic. This variant creates a frameshift predicted to result in premature protein truncation.

Color Diagnostics, LLC DBA Color Health
Classification: Likely pathogenic for Hereditary cancer-predisposing syndrome. Last evaluated: 2020-04-06. Review status: criteria provided, single submitter. Criteria: ACMG Guidelines, 2015. Collection method: clinical testing. Allele origin: germline.
Comment: This variant inserts 1 nucleotide in exon 20 of the BRIP1 gene, creating a frameshift and premature translation stop signal in the last exon. This variant is expected to escape nonsense-mediated decay and be expressed as a truncated protein that lacks the functional domains involved in BRCA1-binding, DNA damage and replication stress responses and attenuation of DNA damage tolerance pathway (PMID: 11301010, 14983014, 20159562, 20173781, 22792074). Although functional studies have not been reported for this variant, this variant is expected to impair important BRIP1 protein function. This variant has not been reported in individuals affected with hereditary cancer in the literature. This variant has not been identified in the general population by the Genome Aggregation Database (gnomAD). Loss of BRIP1 function is a known mechanism of disease. Based on the available evidence, this variant is classified as Likely Pathogenic.